The following is an entry in ClinVar:

ClinVar aggregate classification (germline): Uncertain significance (1 of 4 stars; one submission).

Submission:

Labcorp Genetics (formerly Invitae), Labcorp
Classification: Uncertain significance. Last evaluated: 2025-11-24. Review status: criteria provided, single submitter. Criteria: Invitae Variant Classification Sherloc (09022015). Collection method: clinical testing. Allele origin: germline.
Comment: This sequence change replaces glycine, which is neutral and non-polar, with aspartic acid, which is acidic and polar, at codon 472 of the PRDM13 protein (p.Gly472Asp). This variant is not present in population databases (gnomAD no frequency). This variant has not been reported in the literature in individuals affected with PRDM13-related conditions. ClinVar contains an entry for this variant (Variation ID: 1460551). An algorithm developed to predict the effect of missense changes on protein structure and function (PolyPhen-2) suggests that this variant is likely to be tolerated. In summary, the available evidence is currently insufficient to determine the role of this variant in disease. Therefore, it has been classified as a Variant of Uncertain Significance.

NM_021620.4(PRDM13):c.1415G>A (p.Gly472Asp)

Gene: PRDM13 (PR/SET domain 13; plus strand). Cytogenetic location: 6q16.2.
Variant type: single nucleotide variant.
Coding change: c.1415G>A on transcript NM_021620.4 (MANE Select); coding-DNA position 1415, G replaced by A.
Protein change: p.Gly472Asp; replaces glycine 472 with aspartic acid.
Molecular consequence: missense variant.
Genome position (GRCh38, 1-based): chr6:99,614,050, G>A. VCF-style: chr6-99614050-G-A. GRCh37 (hg19) VCF-style: chr6-100061926-G-A.
Other names: short protein forms G472D.
Identifiers: ClinVar variation 1460551 (VCV001460551.6), dbSNP rs1380249582, ClinGen allele CA365118623.
Genomic context (GRCh38, chr6:99,614,050, plus strand): 5'-GCAGCCACCTGCCCGCCGTCATGCCGGCCTTTACAGTCTACAACGGGGAGCTGCTCTACG[G>A]CTCACCGGCCACCACCGCTTATTACCCGCTCAAATTGCACTTCGGCGGGCTGCTGAAGTA-3'
Protein context (NP_067633.2, residues 462-482): FTVYNGELLY[Gly472Asp]SPATTAYYPL